The following is an entry in ClinVar:

NM_000051.4(ATM):c.7515+1G>C

Genes: ATM (ATM serine/threonine kinase; plus strand), C11orf65 (chromosome 11 open reading frame 65; minus strand). Cytogenetic location: 11q22.3.
Variant type: single nucleotide variant.
Coding change: c.7515+1G>C on transcript NM_000051.4 (MANE Select); the canonical splice donor site of the intron after coding-DNA position 7515, G replaced by C.
Molecular consequence: splice donor variant. On other transcripts: intron variant (2).
Genome position (GRCh38, 1-based): chr11:108,330,422, G>C. VCF-style: chr11-108330422-G-C. GRCh37 (hg19) VCF-style: chr11-108201149-G-C.
Other names: c.7515+1G>C (NM_001351834.2); c.641-21351C>G (NM_001330368.2); c.*38+4798C>G (NM_001351110.2).
Identifiers: ClinVar variation 1759293 (VCV001759293.2), dbSNP rs1591161831, ClinGen allele CA382560618.

ClinVar aggregate classification (germline): Likely pathogenic. Review status: criteria provided, multiple submitters, no conflicts (2 of 4 stars). 2 submissions from 2 submitters: Likely pathogenic (2). Last evaluated 2024-01-31.

Conditions:
Hereditary cancer-predisposing syndrome. Also called: Hereditary neoplastic syndrome; Neoplastic Syndromes, Hereditary; Tumor predisposition; Hereditary Cancer Syndrome. Identifiers: Orphanet 140162, MedGen C0027672, MeSH D009386, MONDO:0015356.
Familial cancer of breast. Also called: Hereditary breast cancer; hereditary breast carcinoma; BREAST CANCER, FAMILIAL. Identifiers: Orphanet 227535, MedGen C0346153, MONDO:0016419, OMIM 114480. Disease mechanism: loss of function.

Allele frequency attached by ClinVar (database versions not stated): gnomAD exomes below 0.00001.
gnomAD v4.1: 1 of 1,614,032 alleles (0.000062%); highest among the groups gnomAD compares: Admixed American, 0.0017%; no homozygotes.

Submissions (2):

Myriad Genetics, Inc.
Classification: Likely pathogenic for Familial cancer of breast. Last evaluated: 2024-01-31. Review status: criteria provided, single submitter. Criteria: Myriad Autosomal Dominant, Autosomal Recessive and X-Linked Classification Criteria (2023). Collection method: clinical testing. Allele origin: unknown.
Comment: This variant is considered likely pathogenic. This variant occurs within a consensus splice junction and is predicted to result in abnormal mRNA splicing of either an out-of-frame exon or an in-frame exon necessary for protein stability and/or normal function.

Ambry Genetics
Classification: Likely pathogenic for Hereditary cancer-predisposing syndrome. Last evaluated: 2022-04-25. Review status: criteria provided, single submitter. Criteria: Ambry Variant Classification Scheme 2023. Collection method: clinical testing. Allele origin: germline.
Comment: The c.7515+1G>C intronic variant results from a G to C substitution one nucleotide after coding exon 49 of the ATM gene. Another alteration impacting the same donor site (c.7515+1G>T, also known as IVS52+1G>T) has been identified likely in trans with an ATM pathogenic mutation in an individual diagnosed with ataxia-telangiectasia (Micol R et al. J Allergy Clin Immunol, 2011 Aug;128:382-9.e1). This variant is considered to be rare based on population cohorts in the Genome Aggregation Database (gnomAD). This nucleotide position is highly conserved in available vertebrate species. In silico splice site analysis predicts that this alteration will weaken the native splice donor site; however, direct evidence is insufficient at this time (Ambry internal data). Alterations that disrupt the canonical splice site are expected to cause aberrant splicing, resulting in an abnormal protein or a transcript that is subject to nonsense-mediated mRNA decay. Based on the majority of available evidence to date, this variant is likely to be pathogenic.

Literature cited by the submitters: PubMed 21665257 (cited by Ambry Genetics).